The following is an entry in ClinVar:

NM_020921.4(NIN):c.225G>C (p.Leu75Phe)

Gene: NIN (ninein; minus strand). Cytogenetic location: 14q22.1.
Variant type: single nucleotide variant.
Coding change: c.225G>C on transcript NM_020921.4 (MANE Select); coding-DNA position 225, G replaced by C.
Protein change: p.Leu75Phe; replaces leucine 75 with phenylalanine.
Molecular consequence: missense variant.
Genome position (GRCh38, 1-based): chr14:50,806,777, C>G on the plus strand (G>C on the coding strand, the complement: NIN is on the minus strand). VCF-style: chr14-50806777-C-G. GRCh37 (hg19) VCF-style: chr14-51273495-C-G.
Other names: c.225G>C, p.Leu75Phe (NM_016350.5, NM_182944.3, NM_182946.2); short protein forms L75F.
Identifiers: ClinVar variation 3728738 (VCV003728738.2).

ClinVar aggregate classification (germline): Uncertain significance (1 of 4 stars; one submission).

Submission:

Labcorp Genetics (formerly Invitae), Labcorp
Classification: Uncertain significance. Last evaluated: 2025-01-08. Review status: criteria provided, single submitter. Criteria: Invitae Variant Classification Sherloc (09022015). Collection method: clinical testing. Allele origin: germline.
Comment: This sequence change replaces leucine, which is neutral and non-polar, with phenylalanine, which is neutral and non-polar, at codon 75 of the NIN protein (p.Leu75Phe). This variant is not present in population databases (gnomAD no frequency). This variant has not been reported in the literature in individuals affected with NIN-related conditions. An algorithm developed to predict the effect of missense changes on protein structure and function (PolyPhen-2) suggests that this variant is likely to be disruptive. In summary, the available evidence is currently insufficient to determine the role of this variant in disease. Therefore, it has been classified as a Variant of Uncertain Significance.